The following is an entry in ClinVar:

NM_004046.6(ATP5F1A):c.1567T>C (p.Leu523=)

Gene: ATP5F1A (ATP synthase F1 subunit alpha; minus strand). Cytogenetic location: 18q21.1.
Variant type: single nucleotide variant.
Coding change: c.1567T>C on transcript NM_004046.6 (MANE Select); coding-DNA position 1567, T replaced by C.
Protein change: p.Leu523=; no amino-acid change (leucine 523 retained).
Molecular consequence: synonymous variant.
Genome position (GRCh38, 1-based): chr18:46,084,517, A>G on the plus strand (T>C on the coding strand, the complement: ATP5F1A is on the minus strand). VCF-style: chr18-46084517-A-G. GRCh37 (hg19) VCF-style: chr18-43664483-A-G.
Other names: c.1417T>C, p.Leu473= (NM_001001935.3, NM_001257335.2); c.1567T>C, p.Leu523= (NM_001001937.2); c.1501T>C, p.Leu501= (NM_001257334.2).
Identifiers: ClinVar variation 389799 (VCV000389799.4), dbSNP rs748813517, ClinGen allele CA8950533.

ClinVar aggregate classification (germline): Likely benign. Review status: criteria provided, multiple submitters, no conflicts (2 of 4 stars). 2 submissions from 2 submitters: Likely benign (2). Last evaluated 2023-10-10.

Allele frequency attached by ClinVar (database versions not stated): ExAC 0.00001; gnomAD 0.00002; gnomAD exomes 0.00002 and 0.00010; TOPMed 0.00003.
gnomAD v4.1: 144 of 1,599,196 alleles (0.009%); highest among the groups gnomAD compares: Middle Eastern, 0.017%; no homozygotes.

Submissions (2):

Labcorp Genetics (formerly Invitae), Labcorp
Classification: Likely benign. Last evaluated: 2023-10-10. Review status: criteria provided, single submitter. Criteria: Invitae Variant Classification Sherloc (09022015). Collection method: clinical testing. Allele origin: germline.

GeneDx
Classification: Likely benign. Last evaluated: 2016-11-01. Review status: criteria provided, single submitter. Criteria: GeneDx Variant Classification (06012015). Collection method: clinical testing. Allele origin: germline. Affected: yes.
Comment: This variant is considered likely benign or benign based on one or more of the following criteria: it is a conservative change, it occurs at a poorly conserved position in the protein, it is predicted to be benign by multiple in silico algorithms, and/or has population frequency not consistent with disease.